The following is an entry in ClinVar:

NM_002739.5(PRKCG):c.940-3C>T

Gene: PRKCG (protein kinase C gamma; plus strand). Cytogenetic location: 19q13.42.
Variant type: single nucleotide variant.
Coding change: c.940-3C>T on transcript NM_002739.5 (MANE Select); 3 bases into the intron before coding-DNA position 940, C replaced by T.
Molecular consequence: intron variant.
Genome position (GRCh38, 1-based): chr19:53,897,956, C>T. VCF-style: chr19-53897956-C-T. GRCh37 (hg19) VCF-style: chr19-54401210-C-T.
Other names: NC_000019.9:g.54401210C>T; c.940-3C>T (NM_001316329.2).
Identifiers: ClinVar variation 893406 (VCV000893406.18), dbSNP rs377593245, ClinGen allele CA9640482.

ClinVar aggregate classification (germline): Conflicting classifications of pathogenicity. Review status: criteria provided, conflicting classifications (1 of 4 stars). 2 submissions from 2 submitters: Uncertain significance (1); Likely benign (1). Last evaluated 2025-01-01.

Conditions:
Spinocerebellar ataxia type 14 (SCA14). Identifiers: Orphanet 98763, MedGen C1854369, MONDO:0011540, OMIM 605361.

Allele frequency attached by ClinVar (database versions not stated): gnomAD exomes 0.00006 and 0.00014; gnomAD 0.00008 and 0.00009; TOPMed 0.00009; ExAC 0.00012; ESP Exome Variant Server 0.00046.
gnomAD v4.1: 114 of 1,613,984 alleles (0.0071%); highest among the groups gnomAD compares: Admixed American, 0.0083%; no homozygotes.

Submissions (3):

CeGaT Center for Human Genetics Tuebingen
Classification: Uncertain significance. Last evaluated: 2025-01-01. Review status: criteria provided, single submitter. Criteria: CeGaT Center For Human Genetics Tuebingen Variant Classification Criteria Version 2. Collection method: clinical testing. Allele origin: germline. Affected: yes. Observed: 1 variant allele.

Illumina Laboratory Services, Illumina
Classification: Likely benign for Spinocerebellar ataxia type 14. Last evaluated: 2018-01-13. Review status: criteria provided, single submitter. Criteria: ICSL Variant Classification Criteria 13 December 2019. Collection method: clinical testing. Allele origin: germline.
Comment: This variant was observed in the ICSL laboratory as part of a predisposition screen in an ostensibly healthy population. It had not been previously curated by ICSL or reported in the Human Gene Mutation Database (HGMD: prior to June 1st, 2018), and was therefore a candidate for classification through an automated scoring system. Utilizing variant allele frequency, disease prevalence and penetrance estimates, and inheritance mode, an automated score was calculated to assess if this variant is too frequent to cause the disease. Based on the score and internal cut-off values, a variant classified as likely benign is not then subjected to further curation. The score for this variant resulted in a classification of likely benign for this disease.

Dr. Peter K. Rogan Lab, Western University
No classification provided (evidence only). Condition: Sarcoma. Review status: no classification provided. Collection method: in vitro. Allele origin: not applicable. Functional consequence: retained intron. Not counted in ClinVar's aggregate classification.